The following is an entry in ClinVar:

ClinVar aggregate classification (germline): Uncertain significance. Review status: criteria provided, multiple submitters, no conflicts (2 of 4 stars). 2 submissions from 2 submitters: Uncertain significance (2). Last evaluated 2025-04-02.

Conditions:
Generalized epilepsy with febrile seizures plus, type 7 (GEFSP7). Also called: GEFS+, TYPE 7. Identifiers: Orphanet 36387, MedGen C2751778, MONDO:0013470, OMIM 613863.
Neuropathy, hereditary sensory and autonomic, type 2A (HSAN2A). Also called: HSAN IIA; WNK1-Related HSAN2 (HSAN2A); MORVAN DISEASE; NEUROPATHY, CONGENITAL SENSORY; NEUROPATHY, HEREDITARY SENSORY RADICULAR, AUTOSOMAL RECESSIVE; NEUROPATHY, HEREDITARY SENSORY, TYPE IIA. Identifiers: Orphanet 970, MedGen C2752089, MONDO:0024309, OMIM 201300.

Submissions (2):

GeneDx
Classification: Uncertain significance. Last evaluated: 2025-04-02. Review status: criteria provided, single submitter. Criteria: GeneDx Variant Classification Process June 2021. Collection method: clinical testing. Allele origin: germline. Affected: yes.
Comment: Not observed at significant frequency in large population cohorts (gnomAD); In silico analysis indicates that this missense variant does not alter protein structure/function; Has not been previously published as pathogenic or benign to our knowledge

Labcorp Genetics (formerly Invitae), Labcorp
Classification: Uncertain significance for Neuropathy, hereditary sensory and autonomic, type 2A; Generalized epilepsy with febrile seizures plus, type 7. Last evaluated: 2021-02-08. Review status: criteria provided, single submitter. Criteria: Invitae Variant Classification Sherloc (09022015). Collection method: clinical testing. Allele origin: germline.
Comment: This variant has not been reported in the literature in individuals with SCN9A-related conditions. In summary, the available evidence is currently insufficient to determine the role of this variant in disease. Therefore, it has been classified as a Variant of Uncertain Significance. Algorithms developed to predict the effect of missense changes on protein structure and function (SIFT, PolyPhen-2, Align-GVGD) all suggest that this variant is likely to be tolerated, but these predictions have not been confirmed by published functional studies and their clinical significance is uncertain. This variant is not present in population databases (ExAC no frequency). This sequence change replaces serine with isoleucine at codon 1101 of the SCN9A protein (p.Ser1101Ile). The serine residue is moderately conserved and there is a large physicochemical difference between serine and isoleucine.

NM_001365536.1(SCN9A):c.3335G>T (p.Ser1112Ile)

Genes: SCN1A-AS1 (SCN1A and SCN9A antisense RNA 1; plus strand), SCN9A (sodium voltage-gated channel alpha subunit 9; minus strand). Cytogenetic location: 2q24.3.
Variant type: single nucleotide variant.
Coding change: c.3335G>T on transcript NM_001365536.1 (MANE Select); coding-DNA position 3335, G replaced by T.
Protein change: p.Ser1112Ile; replaces serine 1112 with isoleucine.
Molecular consequence: missense variant.
Genome position (GRCh38, 1-based): chr2:166,272,415, C>A on the plus strand (G>T on the coding strand, the complement: SCN9A is on the minus strand). VCF-style: chr2-166272415-C-A. GRCh37 (hg19) VCF-style: chr2-167128925-C-A.
Other names: c.3302G>T, p.Ser1101Ile (NM_002977.4); short protein forms S1101I, S1112I.
Identifiers: ClinVar variation 1495904 (VCV001495904.9), dbSNP rs1697032832, ClinGen allele CA349072471.